The following is an entry in ClinVar:

NM_152641.4(ARID2):c.3670_3672del (p.Pro1224del)

Gene: ARID2 (AT-rich interaction domain 2; plus strand). Cytogenetic location: 12q12.
Variant type: Deletion.
Coding change: c.3670_3672del on transcript NM_152641.4 (MANE Select); coding-DNA positions 3670 to 3672, 3 bases deleted (CCT; older notation c.3670_3672delCCT).
Protein change: p.Pro1224del; deletes proline 1224.
Molecular consequence: inframe deletion.
Genome position (GRCh38, 1-based): chr12:45,851,793-45,851,795, CCT deleted; deleting any 3 consecutive bases within chr12:45,851,791-45,851,795 gives the same sequence; the c. name uses the placement nearest the transcript's 3' end. VCF-style (leftmost placement, unchanged base first): chr12-45851790-TCTC-T. GRCh37 (hg19) VCF-style: chr12-46245573-TCTC-T.
Other names: c.3670_3672del, p.Pro1224del (NM_001347839.2); short protein forms P1224del.
Identifiers: ClinVar variation 4278743 (VCV004278743.1).

ClinVar aggregate classification (germline): Uncertain significance (1 of 4 stars; one submission).

Submission:

GeneDx
Classification: Uncertain significance. Last evaluated: 2025-04-04. Review status: criteria provided, single submitter. Criteria: GeneDx Variant Classification Process June 2021. Collection method: clinical testing. Allele origin: germline. Affected: yes.
Comment: In-frame deletion of 1 amino acid in a non-repeat region; In silico analysis supports a deleterious effect on protein structure/function; Has not been previously published as pathogenic or benign to our knowledge